The following is an entry in ClinVar:

NM_001200049.3(CFAP46):c.7969C>T (p.Arg2657Cys)

Gene: CFAP46 (cilia and flagella associated protein 46; minus strand). Cytogenetic location: 10q26.3.
Variant type: single nucleotide variant.
Coding change: c.7969C>T on transcript NM_001200049.3 (MANE Select); coding-DNA position 7969, C replaced by T.
Protein change: p.Arg2657Cys; replaces arginine 2657 with cysteine.
Molecular consequence: missense variant.
Genome position (GRCh38, 1-based): chr10:132,808,600, G>A on the plus strand (C>T on the coding strand, the complement: CFAP46 is on the minus strand). VCF-style: chr10-132808600-G-A. GRCh37 (hg19) VCF-style: chr10-134622104-G-A.
Other names: c.2905C>T (NM_001200049.1); short protein forms R2657C.
Identifiers: ClinVar variation 3027413 (VCV003027413.23), dbSNP rs148457914, ClinGen allele CA5756255.
Genomic context (GRCh38, chr10:132,808,600, plus strand): 5'-GACGCAGACCCCATGGCGCACACAGGCAGGCAGAGCTCGAGGTCCAGGCGGCTGCCTTGC[G>A]GGAAGTCGCTGGGGGAGGGTCCCTGGCTGAGGCTGCACCAAGGGCTGGGGAGAGGCCCAG-3'
Protein context (NP_001186978.2, residues 2647-2667): SARDPPPATS[Arg2657Cys]KAAAWTSSSA

ClinVar aggregate classification (germline): Conflicting classifications of pathogenicity. Review status: criteria provided, conflicting classifications (1 of 4 stars). 2 submissions from 2 submitters: Uncertain significance (1); Likely benign (1). Last evaluated 2025-08-22.

Allele frequency attached by ClinVar (database versions not stated): 1000 Genomes Project 0.00120; 1000 Genomes Project 30x 0.00125; ESP Exome Variant Server 0.00131; ExAC 0.00185; gnomAD exomes 0.00206.
gnomAD v4.1: 3,209 of 1,612,436 alleles (0.2%); highest among the groups gnomAD compares: Middle Eastern, 0.3%; 8 homozygotes.

Submissions (2):

Ambry Genetics
Classification: Uncertain significance. Last evaluated: 2025-08-22. Review status: criteria provided, single submitter. Criteria: Ambry Variant Classification Scheme 2023. Collection method: clinical testing. Allele origin: germline.

CeGaT Center for Human Genetics Tuebingen
Classification: Likely benign. Last evaluated: 2024-02-01. Review status: criteria provided, single submitter. Criteria: CeGaT Center For Human Genetics Tuebingen Variant Classification Criteria Version 2. Collection method: clinical testing. Allele origin: germline. Affected: yes. Observed: 1 variant allele.
Comment: CFAP46: BP4